The following is an entry in ClinVar:

ClinVar aggregate classification (germline): Likely benign. Review status: criteria provided, single submitter (1 of 4 stars). 2 submissions from 2 submitters: Likely benign (1). 1 of the submissions does not count toward it. Last evaluated 2018-05-21.

Conditions:
UBR4-related disorder. Also called: UBR4-related condition.

Allele frequency attached by ClinVar (database versions not stated): gnomAD 0.00011 and 0.00013; TOPMed 0.00011; ESP Exome Variant Server 0.00023.
gnomAD v4.1: 226 of 1,613,986 alleles (0.014%); highest among the groups gnomAD compares: Admixed American, 0.017%; 2 homozygotes.

Submissions (2):

Labcorp Genetics (formerly Invitae), Labcorp
Classification: Likely benign. Last evaluated: 2018-05-21. Review status: criteria provided, single submitter. Criteria: Invitae Variant Classification Sherloc (09022015). Collection method: clinical testing. Allele origin: germline.

PreventionGenetics, part of Exact Sciences
Classification: Likely benign for UBR4-related condition. Last evaluated: 2019-07-30. Review status: no assertion criteria provided. Collection method: clinical testing. Allele origin: germline. Not counted in ClinVar's aggregate classification.
Comment: This variant is classified as likely benign based on ACMG/AMP sequence variant interpretation guidelines (Richards et al. 2015 PMID: 25741868, with internal and published modifications).

NM_020765.3(UBR4):c.15507C>T (p.Thr5169=)

Gene: UBR4 (ubiquitin protein ligase E3 component n-recognin 4; minus strand). Cytogenetic location: 1p36.13.
Variant type: single nucleotide variant.
Coding change: c.15507C>T on transcript NM_020765.3 (MANE Select); coding-DNA position 15507, C replaced by T.
Protein change: p.Thr5169=; no amino-acid change (threonine 5169 retained).
Molecular consequence: synonymous variant.
Genome position (GRCh38, 1-based): chr1:19,074,877, G>A on the plus strand (C>T on the coding strand, the complement: UBR4 is on the minus strand). VCF-style: chr1-19074877-G-A. GRCh37 (hg19) VCF-style: chr1-19401371-G-A.
Identifiers: ClinVar variation 743750 (VCV000743750.5), dbSNP rs373433980, ClinGen allele CA647804.